The following is an entry in ClinVar:

NM_004519.4(KCNQ3):c.2295C>A (p.Asp765Glu)

Gene: KCNQ3 (potassium voltage-gated channel subfamily Q member 3; minus strand). Cytogenetic location: 8q24.22.
Variant type: single nucleotide variant.
Coding change: c.2295C>A on transcript NM_004519.4 (MANE Select); coding-DNA position 2295, C replaced by A.
Protein change: p.Asp765Glu; replaces aspartic acid 765 with glutamic acid.
Molecular consequence: missense variant.
Genome position (GRCh38, 1-based): chr8:132,129,586, G>T on the plus strand (C>A on the coding strand, the complement: KCNQ3 is on the minus strand). VCF-style: chr8-132129586-G-T. GRCh37 (hg19) VCF-style: chr8-133141833-G-T.
Other names: c.1935C>A, p.Asp645Glu (NM_001204824.2); short protein forms D765E, D645E.
Identifiers: ClinVar variation 935235 (VCV000935235.13), dbSNP rs201183533, ClinGen allele CA4880471.

ClinVar aggregate classification (germline): Conflicting classifications of pathogenicity. Review status: criteria provided, conflicting classifications (1 of 4 stars). 4 submissions from 4 submitters: Uncertain significance (3); Likely benign (1). Last evaluated 2025-12-26.

Conditions:
Benign neonatal seizures. Also called: Benign familial neonatal epilepsy; Convulsions benign familial neonatal dominant form; Autosomal dominant form of benign neonatal seizures; Benign familial neonatal seizures; Benign neonatal familial convulsions. Identifiers: Orphanet 1949, MedGen C0220669, MONDO:0016027.
Inborn genetic diseases. Identifiers: MedGen C0950123, MeSH D030342.
Seizures, benign familial neonatal, 2. Also called: KCNQ3-Related Self-Limited Familial Neonatal Epilepsy (SLFNE); Seizures, benign neonatal, 2; Benign Neonatal Epilepsy 2; CONVULSIONS, BENIGN FAMILIAL NEONATAL, 2; KCNQ3-Related Benign Familial Neonatal Epilepsy. Identifiers: Orphanet 1949, MedGen C1852581, MONDO:0007366, OMIM 121201.

Allele frequency attached by ClinVar (database versions not stated): gnomAD 0.00001; ExAC 0.00002; TOPMed 0.00002; 1000 Genomes Project 0.00020; 1000 Genomes Project 30x 0.00031.
gnomAD v4.1: 17 of 1,614,202 alleles (0.0011%); highest among the groups gnomAD compares: Admixed American, 0.013%; no homozygotes.

Submissions (4):

Labcorp Genetics (formerly Invitae), Labcorp
Classification: Uncertain significance for Benign neonatal seizures. Last evaluated: 2025-12-26. Review status: criteria provided, single submitter. Criteria: Invitae Variant Classification Sherloc (09022015). Collection method: clinical testing. Allele origin: germline.
Comment: This sequence change replaces aspartic acid, which is acidic and polar, with glutamic acid, which is acidic and polar, at codon 765 of the KCNQ3 protein (p.Asp765Glu). This variant is present in population databases (rs201183533, gnomAD 0.01%). This variant has not been reported in the literature in individuals affected with KCNQ3-related conditions. ClinVar contains an entry for this variant (Variation ID: 935235). Invitae Evidence Modeling of protein sequence and biophysical properties (such as structural, functional, and spatial information, amino acid conservation, physicochemical variation, residue mobility, and thermodynamic stability) indicates that this missense variant is not expected to disrupt KCNQ3 protein function with a negative predictive value of 95%. In summary, the available evidence is currently insufficient to determine the role of this variant in disease. Therefore, it has been classified as a Variant of Uncertain Significance.

Ambry Genetics
Classification: Likely benign for Inborn genetic diseases. Last evaluated: 2023-12-18. Review status: criteria provided, single submitter. Criteria: Ambry Variant Classification Scheme 2023. Collection method: clinical testing. Allele origin: germline.

Blueprint Genetics
Classification: Uncertain significance. Last evaluated: 2023-11-20. Review status: criteria provided, single submitter. Criteria: ACMG Guidelines, 2015. Collection method: clinical testing. Allele origin: germline.

Fulgent Genetics
Classification: Uncertain significance for Seizures, benign familial neonatal, 2. Last evaluated: 2022-04-01. Review status: criteria provided, single submitter. Criteria: ACMG Guidelines, 2015. Collection method: clinical testing. Allele origin: unknown.